The following is an entry in ClinVar:

NM_198253.3(TERT):c.1759A>C (p.Ile587Leu)

Gene: TERT (telomerase reverse transcriptase; minus strand). Cytogenetic location: 5p15.33.
Variant type: single nucleotide variant.
Coding change: c.1759A>C on transcript NM_198253.3 (MANE Select); coding-DNA position 1759, A replaced by C.
Protein change: p.Ile587Leu; replaces isoleucine 587 with leucine.
Molecular consequence: missense variant. On other transcripts: non-coding transcript variant (2).
Genome position (GRCh38, 1-based): chr5:1,282,439, T>G on the plus strand (A>C on the coding strand, the complement: TERT is on the minus strand). VCF-style: chr5-1282439-T-G. GRCh37 (hg19) VCF-style: chr5-1282554-T-G.
Other names: c.1759A>C, p.Ile587Leu (NM_001193376.3); short protein forms I587L.
Identifiers: ClinVar variation 3805757 (VCV003805757.1).

ClinVar aggregate classification (germline): Uncertain significance (1 of 4 stars; one submission).

Conditions:
Dyskeratosis congenita. Identifiers: Orphanet 1775, MedGen C0265965, MONDO:0015780.

Submission:

Ambry Genetics
Classification: Uncertain significance for Dyskeratosis congenita. Last evaluated: 2024-12-20. Review status: criteria provided, single submitter. Criteria: Ambry Variant Classification Scheme 2023. Collection method: clinical testing. Allele origin: germline.
Comment: The p.I587L variant (also known as c.1759A>C), located in coding exon 3 of the TERT gene, results from an A to C substitution at nucleotide position 1759. The isoleucine at codon 587 is replaced by leucine, an amino acid with highly similar properties. This amino acid position is conserved. In addition, this alteration is predicted to be tolerated by in silico analysis. Based on the available evidence, the clinical significance of this variant remains unclear.